The following is an entry in ClinVar:

ClinVar aggregate classification (germline): Uncertain significance (1 of 4 stars; one submission).

Conditions:
Familial cancer of breast. Also called: Hereditary breast cancer; hereditary breast carcinoma; BREAST CANCER, FAMILIAL. Identifiers: Orphanet 227535, MedGen C0346153, MONDO:0016419, OMIM 114480. Disease mechanism: loss of function.

Allele frequency attached by ClinVar (database versions not stated): gnomAD exomes below 0.00001.

Submission:

Labcorp Genetics (formerly Invitae), Labcorp
Classification: Uncertain significance for Familial cancer of breast. Last evaluated: 2024-06-06. Review status: criteria provided, single submitter. Criteria: Invitae Variant Classification Sherloc (09022015). Collection method: clinical testing. Allele origin: germline.
Comment: This sequence change replaces isoleucine, which is neutral and non-polar, with serine, which is neutral and polar, at codon 366 of the CHEK2 protein (p.Ile366Ser). This variant is not present in population databases (gnomAD no frequency). This variant has not been reported in the literature in individuals affected with CHEK2-related conditions. ClinVar contains an entry for this variant (Variation ID: 1000641). An algorithm developed to predict the effect of missense changes on protein structure and function (PolyPhen-2) suggests that this variant is likely to be disruptive. In summary, the available evidence is currently insufficient to determine the role of this variant in disease. Therefore, it has been classified as a Variant of Uncertain Significance.

NM_007194.4(CHEK2):c.1097T>G (p.Ile366Ser)

Gene: CHEK2 (checkpoint kinase 2; minus strand). Cytogenetic location: 22q12.1.
Variant type: single nucleotide variant.
Coding change: c.1097T>G on transcript NM_007194.4 (MANE Select); coding-DNA position 1097, T replaced by G.
Protein change: p.Ile366Ser; replaces isoleucine 366 with serine.
Molecular consequence: missense variant.
Genome position (GRCh38, 1-based): chr22:28,695,872, A>C on the plus strand (T>G on the coding strand, the complement: CHEK2 is on the minus strand). VCF-style: chr22-28695872-A-C. GRCh37 (hg19) VCF-style: chr22-29091860-A-C.
Other names: c.1226T>G, p.Ile409Ser (NM_001005735.3); c.434T>G, p.Ile145Ser (NM_001257387.3); c.896T>G, p.Ile299Ser (NM_001349956.3); c.1010T>G, p.Ile337Ser (NM_145862.3); short protein forms I145S, I299S, I337S, I366S, I409S.
Identifiers: ClinVar variation 1000641 (VCV001000641.9), dbSNP rs786202147, ClinGen allele CA411097221.